The following is an entry in ClinVar:

ClinVar aggregate classification (germline): Pathogenic/Likely pathogenic. Review status: criteria provided, multiple submitters, no conflicts (2 of 4 stars). 4 submissions from 4 submitters: Pathogenic (1); Likely pathogenic (2). 1 of the submissions does not count toward it. Last evaluated 2026-01-30.

Conditions:
Neuromuscular disease caused by qualitative or quantitative defects of dystrophin. Also called: Qualitative or quantitative defects of dystrophin. Identifiers: Orphanet 207085, MedGen C5679787, MONDO:0016147.
DMD-related disorder. Also called: DMD-related condition.
Duchenne muscular dystrophy (DMD). Also called: MUSCULAR DYSTROPHY, PSEUDOHYPERTROPHIC PROGRESSIVE, DUCHENNE TYPE; Duchenne Muscular Dystrophy (DMD). Identifiers: Orphanet 98896, MedGen C0013264, MONDO:0010679, OMIM 310200.

Submissions (4):

GeneDx
Classification: Likely pathogenic. Last evaluated: 2026-01-30. Review status: criteria provided, single submitter. Criteria: GeneDx Variant Classification Process June 2021. Collection method: clinical testing. Allele origin: germline. Affected: yes.
Comment: RNA analysis and western blot demonstrate that c.9362-1215A>G impacts splicing in the majority of transcripts, resulting in a frameshift that leads to nonsense mediated decay and lack of protein expression along with trace amounts of wild-type protein (PMID: 19602481); In silico analysis suggests that this variant does not alter splicing; No data available from ethnically-matched control populations to assess the frequency of this variant; This variant is associated with the following publications: (PMID: 19602481, Davydenko[Functional study]2024)

Women's Health and Genetics/Laboratory Corporation of America, LabCorp
Classification: Likely pathogenic for Neuromuscular disease caused by qualitative or quantitative defects of dystrophin. Last evaluated: 2025-10-20. Review status: criteria provided, single submitter. Criteria: LabCorp Variant Classification Summary - May 2015. Collection method: clinical testing. Allele origin: germline.
Comment: Variant summary: DMD c.9362-1215A>G is located at a position not widely known to affect splicing. Several computational tools predict a significant impact on normal splicing: Four predict the variant creates a 3' acceptor site. Four predict the variant abolishes a cryptic 3' acceptor site. At least one publication reports experimental evidence that this variant affects mRNA splicing in patient cells, resulting in the creation of a 147bp pseudo-exon which is predicted to lead to an out of frame transcript and nonsense mediated decay (Daoud_2009). The frequency of this variant in the general population could not be determined due to low coverage in this region (gnomAD). c.9362-1215A>G has been observed in individual(s) affected with clinical features of Duchenne muscular dystrophy (Daoud_2009). At least one publication reports this variant was associated with reduced dystrophin protein levels in patient sample(s), however data were not shown (Daoud_2009). The following publications have been ascertained in the context of this evaluation (PMID: 33673806, 19602481). ClinVar contains an entry for this variant (Variation ID: 1324248). Based on the evidence outlined above, the variant was classified as likely pathogenic.

Labcorp Genetics (formerly Invitae), Labcorp
Classification: Pathogenic for Duchenne muscular dystrophy. Last evaluated: 2022-08-22. Review status: criteria provided, single submitter. Criteria: Invitae Variant Classification Sherloc (09022015). Collection method: clinical testing. Allele origin: germline.
Comment: The frequency data for this variant in the population databases is considered unreliable, as metrics indicate insufficient coverage at this position in the gnomAD database. For these reasons, this variant has been classified as Pathogenic. Studies have shown that this variant results in an insertion of a 147 nt pseudo-exon between exons 65 and 66 and introduces a premature termination codon (PMID: 19602481). The resulting mRNA is expected to undergo nonsense-mediated decay. ClinVar contains an entry for this variant (Variation ID: 1324248). This variant has been observed in individual(s) with Duchenne muscular dystrophy (PMID: 19602481). This sequence change falls in intron 64 of the DMD gene. It does not directly change the encoded amino acid sequence of the DMD protein. RNA analysis indicates that this variant induces altered splicing and may result in an absent or disrupted protein product.

PreventionGenetics, part of Exact Sciences
Classification: Likely pathogenic for DMD-related condition. Last evaluated: 2024-03-05. Review status: no assertion criteria provided. Collection method: clinical testing. Allele origin: germline. Not counted in ClinVar's aggregate classification.
Comment: The DMD c.9362-1215A>G variant is predicted to interfere with splicing. mRNA studies from two unrelated patients with Duchenne muscular dystrophy demonstrate that expression of this variant results in an out-of-frame insertion of a 147 nucleotide pseudo-exon between exons 65 and 66 (Table 1, Daoud et al. 2009. PubMed ID: 19602481). This variant has not been reported in a large population database, though coverage of this region is in gnomAD is absent and should be interpreted with caution. This variant is interpreted as likely pathogenic.

Literature cited by the submitters: PubMed 19602481 (cited by Women's Health and Genetics/Laboratory Corporation of America, LabCorp and Labcorp Genetics (formerly Invitae), Labcorp); PubMed 33673806 (cited by Women's Health and Genetics/Laboratory Corporation of America, LabCorp).

NM_004006.3(DMD):c.9362-1215A>G

Gene: DMD (dystrophin; minus strand). Cytogenetic location: Xp21.2.
Variant type: single nucleotide variant.
Coding change: c.9362-1215A>G on transcript NM_004006.3 (MANE Select); 1215 bases into the intron before coding-DNA position 9362, A replaced by G.
Molecular consequence: intron variant.
Genome position (GRCh38, 1-based): chrX:31,210,914, T>C on the plus strand (A>G on the coding strand, the complement: DMD is on the minus strand). VCF-style: chrX-31210914-T-C. GRCh37 (hg19) VCF-style: chrX-31229031-T-C.
Other names: c.9338-1215A>G (NM_000109.4); c.5339-1215A>G (NM_004011.4); c.5330-1215A>G (NM_004012.4); c.1982-1215A>G (NM_004023.3, NM_004020.4, NM_004022.3 and 2 more transcripts); c.1175-1215A>G (NM_004014.3); c.158-1215A>G (NM_004018.3, NM_004017.3, NM_004016.3 and 2 more transcripts); c.9350-1215A>G (NM_004009.3); c.8993-1215A>G (NM_004010.3).
Identifiers: ClinVar variation 1324248 (VCV001324248.9), dbSNP rs2148603634, ClinGen allele CA2573055230.